The following is an entry in ClinVar:

ClinVar aggregate classification (germline): Likely pathogenic. Review status: criteria provided, multiple submitters, no conflicts (2 of 4 stars). 2 submissions from 2 submitters: Likely pathogenic (2). Last evaluated 2025-10-19.

Conditions:
Bardet-Biedl syndrome 14 (BBS14). Identifiers: Orphanet 110, MedGen C2673874, MONDO:0014442, OMIM 615991.
Joubert syndrome 6 (JBTS6). Identifiers: Orphanet 475, MedGen C1853153, MONDO:0012539, OMIM 610688.
Meckel syndrome, type 3 (MKS3). Also called: MECKEL-GRUBER SYNDROME, TYPE 3. Identifiers: Orphanet 564, MedGen C1846357, MONDO:0011821, OMIM 607361.
RHYNS syndrome. Also called: RETINITIS PIGMENTOSA SYNDROME; RETINITIS PIGMENTOSA, HYPOPITUITARISM, NEPHRONOPHTHISIS, AND MILD SKELETAL DYSPLASIA. Identifiers: Orphanet 140976, MedGen C1865794, MONDO:0011202, OMIM 602152.
COACH syndrome 1. Identifiers: Orphanet 1454, MedGen C5435651, MONDO:0800103, OMIM 216360, MONDO:0008996.
Nephronophthisis 11 (NPHP11). Identifiers: Orphanet 84081, MedGen C3150796, MONDO:0013302, OMIM 613550.
Joubert syndrome. Also called: CEREBELLOPARENCHYMAL DISORDER IV; JOUBERT-BOLTSHAUSER SYNDROME; Familial aplasia of the vermis. Identifiers: Orphanet 475, MedGen C5979921, MONDO:0018772.
Meckel-Gruber syndrome. Also called: DYSENCEPHALIA SPLANCHNOCYSTICA; GRUBER SYNDROME; Dysencephalia splachnocystica. Identifiers: Orphanet 564, MedGen C0265215, MONDO:0018921.

Allele frequency attached by ClinVar (database versions not stated): gnomAD exomes below 0.00001; gnomAD 0.00001.
gnomAD v4.1: 4 of 1,543,718 alleles (0.00026%); highest among the groups gnomAD compares: South Asian, 0.0011%; no homozygotes.

Submissions (2):

Labcorp Genetics (formerly Invitae), Labcorp
Classification: Likely pathogenic for Joubert syndrome; Meckel-Gruber syndrome. Last evaluated: 2025-10-19. Review status: criteria provided, single submitter. Criteria: Invitae Variant Classification Sherloc (09022015). Collection method: clinical testing. Allele origin: germline.
Comment: This sequence change affects a donor splice site in intron 9 of the TMEM67 gene. It is expected to disrupt RNA splicing. Variants that disrupt the donor or acceptor splice site typically lead to a loss of protein function (PMID: 16199547), and loss-of-function variants in TMEM67 are known to be pathogenic (PMID: 20232449, 23559409). This variant is not present in population databases (gnomAD no frequency). Disruption of this splice site has been observed in individual(s) with clinical features of TMEM67-related conditions (PMID: 31730820, 37730223). ClinVar contains an entry for this variant (Variation ID: 1325204). Algorithms developed to predict the effect of sequence changes on RNA splicing suggest that this variant may disrupt the consensus splice site. In summary, the currently available evidence indicates that the variant is pathogenic, but additional data are needed to prove that conclusively. Therefore, this variant has been classified as Likely Pathogenic.

Fulgent Genetics
Classification: Likely pathogenic for COACH syndrome 1; RHYNS syndrome; Meckel syndrome, type 3; Joubert syndrome 6; Nephronophthisis 11; Bardet-Biedl syndrome 14. Last evaluated: 2024-04-02. Review status: criteria provided, single submitter. Criteria: ACMG Guidelines, 2015. Collection method: clinical testing. Allele origin: germline.

Literature cited by the submitters: PubMed 16199547 (cited by Labcorp Genetics (formerly Invitae), Labcorp); PubMed 20232449 (cited by Labcorp Genetics (formerly Invitae), Labcorp); PubMed 23559409 (cited by Labcorp Genetics (formerly Invitae), Labcorp); PubMed 31730820 (cited by Labcorp Genetics (formerly Invitae), Labcorp); PubMed 37730223 (cited by Labcorp Genetics (formerly Invitae), Labcorp).

NM_153704.6(TMEM67):c.978+1G>A

Gene: TMEM67 (transmembrane protein 67; plus strand). Cytogenetic location: 8q22.1.
Variant type: single nucleotide variant.
Coding change: c.978+1G>A on transcript NM_153704.6 (MANE Select); the canonical splice donor site of the intron after coding-DNA position 978, G replaced by A.
Molecular consequence: splice donor variant.
Genome position (GRCh38, 1-based): chr8:93,780,983, G>A. VCF-style: chr8-93780983-G-A. GRCh37 (hg19) VCF-style: chr8-94793211-G-A.
Other names: c.735+1G>A (NM_001142301.1).
Identifiers: ClinVar variation 1325204 (VCV001325204.10), dbSNP rs1563458773, ClinGen allele CA371688549.